The following is an entry in ClinVar:

ClinVar aggregate classification (germline): Uncertain significance (1 of 4 stars; one submission).

Conditions:
Psoriasis 2. Identifiers: MedGen C1864497, MONDO:0011269, OMIM 602723.
Pityriasis rubra pilaris (PRP). Also called: Pityriasis rubra pilaris--familial type. Identifiers: Orphanet 2897, MedGen C0032027, MONDO:0100017, OMIM 173200, MONDO:0008251.

Submission:

Labcorp Genetics (formerly Invitae), Labcorp
Classification: Uncertain significance for Pityriasis rubra pilaris; Psoriasis 2. Last evaluated: 2023-01-13. Review status: criteria provided, single submitter. Criteria: Invitae Variant Classification Sherloc (09022015). Collection method: clinical testing. Allele origin: germline.
Comment: Advanced modeling of protein sequence and biophysical properties (such as structural, functional, and spatial information, amino acid conservation, physicochemical variation, residue mobility, and thermodynamic stability) performed at Invitae indicates that this missense variant is expected to disrupt CARD14 protein function. In summary, the available evidence is currently insufficient to determine the role of this variant in disease. Therefore, it has been classified as a Variant of Uncertain Significance. This sequence change replaces valine, which is neutral and non-polar, with alanine, which is neutral and non-polar, at codon 616 of the CARD14 protein (p.Val616Ala). This variant is not present in population databases (gnomAD no frequency). This variant has not been reported in the literature in individuals affected with CARD14-related conditions.

NM_001366385.1(CARD14):c.1847T>C (p.Val616Ala)

Gene: CARD14 (caspase recruitment domain family member 14; plus strand). Cytogenetic location: 17q25.3.
Variant type: single nucleotide variant.
Coding change: c.1847T>C on transcript NM_001366385.1 (MANE Select); coding-DNA position 1847, T replaced by C.
Protein change: p.Val616Ala; replaces valine 616 with alanine.
Molecular consequence: missense variant. On other transcripts: non-coding transcript variant (1).
Genome position (GRCh38, 1-based): chr17:80,198,587, T>C. VCF-style: chr17-80198587-T-C. GRCh37 (hg19) VCF-style: chr17-78172386-T-C.
Other names: c.1847T>C, p.Val616Ala (NM_001257970.1, NM_024110.4); c.1136T>C, p.Val379Ala (NM_052819.3); short protein forms V616A, V379A.
Identifiers: ClinVar variation 2943062 (VCV002943062.3), dbSNP rs962132762, ClinGen allele CA294875847.